The following is an entry in ClinVar:

NM_176869.3(PPA2):c.938C>A (p.Ser313Ter)

Gene: PPA2 (inorganic pyrophosphatase 2; minus strand). Cytogenetic location: 4q24.
Variant type: single nucleotide variant.
Coding change: c.938C>A on transcript NM_176869.3 (MANE Select); coding-DNA position 938, C replaced by A.
Protein change: p.Ser313Ter; replaces serine 313 with a stop codon.
Molecular consequence: nonsense.
Genome position (GRCh38, 1-based): chr4:105,386,568, G>T on the plus strand (C>A on the coding strand, the complement: PPA2 is on the minus strand). VCF-style: chr4-105386568-G-T. GRCh37 (hg19) VCF-style: chr4-106307725-G-T.
Other names: c.851C>A, p.Ser284Ter (NM_006903.4); c.632C>A, p.Ser211Ter (NM_176866.2); c.440C>A, p.Ser147Ter (NM_176867.3); short protein forms S313*, S147*, S211*, S284*.
Identifiers: ClinVar variation 620292 (VCV000620292.44), dbSNP rs151331559, ClinGen allele CA3032362.

ClinVar aggregate classification (germline): Conflicting classifications of pathogenicity. Review status: criteria provided, conflicting classifications (1 of 4 stars). 8 submissions from 7 submitters: Pathogenic (1); Likely pathogenic (4); Uncertain significance (3). Last evaluated 2024-01-23.

Conditions:
Sudden cardiac failure, infantile (SCFI). Identifiers: MedGen C4310664, MONDO:0014973, OMIM 617222.
Sudden cardiac failure, alcohol-induced (SCFAI). Identifiers: MedGen C4310663, MONDO:0014974, OMIM 617223.
PPA2-related disorder. Also called: PPA2-related disorders; PPA2-related condition.

Allele frequency attached by ClinVar (database versions not stated): TOPMed 0.00006; ESP Exome Variant Server 0.00008.
gnomAD v4.1: 62 of 1,609,138 alleles (0.0039%); highest among the groups gnomAD compares: Non-Finnish European, 0.0045%; no homozygotes.

Submissions (8):

Blueprint Genetics
Classification: Likely pathogenic for PPA2-related disorders. Last evaluated: 2024-01-23. Review status: criteria provided, single submitter. Criteria: ACMG Guidelines, 2015. Collection method: clinical testing. Allele origin: germline. Affected: yes. Observed: 5 variant alleles.

Labcorp Genetics (formerly Invitae), Labcorp
Classification: Uncertain significance. Last evaluated: 2022-08-20. Review status: criteria provided, single submitter. Criteria: Invitae Variant Classification Sherloc (09022015). Collection method: clinical testing. Allele origin: germline.
Comment: This sequence change creates a premature translational stop signal (p.Ser313*) in the PPA2 gene. While this is not anticipated to result in nonsense mediated decay, it is expected to disrupt the last 22 amino acid(s) of the PPA2 protein. This variant is present in population databases (rs151331559, gnomAD 0.008%). This premature translational stop signal has been observed in individual(s) with PPA2-related conditions (PMID: 34400813). In at least one individual the data is consistent with being in trans (on the opposite chromosome) from a pathogenic variant. ClinVar contains an entry for this variant (Variation ID: 620292). In summary, the available evidence is currently insufficient to determine the role of this variant in disease. Therefore, it has been classified as a Variant of Uncertain Significance.

Department of Pathology and Laboratory Medicine, Sinai Health System
Classification: Likely pathogenic for Sudden cardiac failure, infantile. Last evaluated: 2022-03-25. Review status: criteria provided, single submitter. Criteria: ACMG Guidelines, 2015. Collection method: research. Allele origin: germline.

CeGaT Center for Human Genetics Tuebingen
Classification: Likely pathogenic. Last evaluated: 2021-11-01. Review status: criteria provided, single submitter. Criteria: CeGaT Center For Human Genetics Tuebingen Variant Classification Criteria Version 2. Collection method: clinical testing. Allele origin: germline. Affected: yes. Observed: 1 variant allele.

PPA2 laboratory, University of Otago
Classification: Uncertain significance for Sudden cardiac failure, infantile. Last evaluated: 2021-03-02. Review status: criteria provided, single submitter. Criteria: ACMG Guidelines, 2015. Collection method: research. Allele origin: germline. Affected: yes.

PPA2 laboratory, University of Otago
Classification: Uncertain significance for Sudden cardiac failure, alcohol-induced. Last evaluated: 2021-03-02. Review status: criteria provided, single submitter. Criteria: ACMG Guidelines, 2015. Collection method: research. Allele origin: germline. Affected: yes.

HudsonAlpha Institute for Biotechnology
Classification: Pathogenic for Sudden cardiac failure, infantile. Last evaluated: 2019-10-04. Review status: criteria provided, single submitter. Criteria: ACMG Guidelines, 2015. Collection method: research. Allele origin: paternal. Affected: yes. Observed: 1 variant allele. Study: CSER-SouthSeq.
Comment: ACMG codes: PVS1, PM2, PM3, PP5

GeneDx
Classification: Likely pathogenic. Last evaluated: 2018-07-23. Review status: criteria provided, single submitter. Criteria: GeneDx Variant Classification (06012015). Collection method: clinical testing. Allele origin: germline. Affected: yes.
Comment: The S313X variant in the PPA2 gene has not been reported previously as a pathogenic variant nor as a benign variant, to our knowledge. This variant is predicted to cause loss of normal protein function either through protein truncation or nonsense-mediated mRNA decay. The S313X variant is not observed at a significant frequency in large population cohorts (Lek et al., 2016). We interpret S313X as a likely pathogenic variant.

Literature cited by the submitters: PubMed 34400813 (cited by Labcorp Genetics (formerly Invitae), Labcorp).